The following is an entry in ClinVar:

ClinVar aggregate classification (germline): Uncertain significance (1 of 4 stars; one submission).

Conditions:
Fanconi anemia complementation group E (FANCE). Also called: FANCE-Related Fanconi Anemia. Identifiers: Orphanet 84, MedGen C3160739, MONDO:0010953, OMIM 600901.

Allele frequency attached by ClinVar (database versions not stated): TOPMed below 0.00001; gnomAD 0.00001; ExAC 0.00004; 1000 Genomes Project 30x 0.00016; 1000 Genomes Project 0.00020.

Submissions (2):

Labcorp Genetics (formerly Invitae), Labcorp
Classification: Uncertain significance for Fanconi anemia complementation group E. Last evaluated: 2022-03-11. Review status: criteria provided, single submitter. Criteria: Invitae Variant Classification Sherloc (09022015). Collection method: clinical testing. Allele origin: germline.
Comment: This sequence change affects codon 83 of the FANCE mRNA. It is a 'silent' change, meaning that it does not change the encoded amino acid sequence of the FANCE protein. It affects a nucleotide within the consensus splice site. This variant is present in population databases (rs200659702, gnomAD 0.05%). This variant has not been reported in the literature in individuals affected with FANCE-related conditions. Algorithms developed to predict the effect of sequence changes on RNA splicing suggest that this variant may disrupt the consensus splice site. In summary, the available evidence is currently insufficient to determine the role of this variant in disease. Therefore, it has been classified as a Variant of Uncertain Significance.

Dr. Peter K. Rogan Lab, Western University
No classification provided (evidence only). Condition: Gastric cancer. Review status: no classification provided. Collection method: in vitro. Allele origin: not applicable. Functional consequence: retained intron. Not counted in ClinVar's aggregate classification.

NM_021922.3(FANCE):c.249G>T (p.Leu83=)

Gene: FANCE (FA complementation group E; plus strand). Cytogenetic location: 6p21.31.
Variant type: single nucleotide variant.
Coding change: c.249G>T on transcript NM_021922.3 (MANE Select); coding-DNA position 249, G replaced by T.
Protein change: p.Leu83=; no amino-acid change (leucine 83 retained).
Molecular consequence: synonymous variant.
Genome position (GRCh38, 1-based): chr6:35,455,747, G>T. VCF-style: chr6-35455747-G-T. GRCh37 (hg19) VCF-style: chr6-35423524-G-T.
Other names: c.249G>T, p.Leu83= (NM_001410876.1).
Identifiers: ClinVar variation 1912024 (VCV001912024.3), dbSNP rs200659702, ClinGen allele CA3771365.